The following is an entry in ClinVar:

ClinVar aggregate classification (germline): Benign. Review status: criteria provided, multiple submitters, no conflicts (2 of 4 stars). 3 submissions from 3 submitters: Benign (3). Last evaluated 2026-01-01.

Allele frequency attached by ClinVar (database versions not stated): 1000 Genomes Project 30x 0.00312; 1000 Genomes Project 0.00379; TOPMed 0.00569; ESP Exome Variant Server 0.00677; gnomAD 0.00871 and 0.00911; gnomAD exomes 0.00943 and 0.00975; ExAC 0.00978.
gnomAD v4.1: 15,391 of 1,613,300 alleles (0.95%); highest among the groups gnomAD compares: Non-Finnish European, 1%; 159 homozygotes.

Submissions (3):

CeGaT Center for Human Genetics Tuebingen
Classification: Benign. Last evaluated: 2026-01-01. Review status: criteria provided, single submitter. Criteria: CeGaT Center For Human Genetics Tuebingen Variant Classification Criteria Version 2. Collection method: clinical testing. Allele origin: germline. Affected: yes. Observed: 2 variant alleles.
Comment: RPL3L: BP4, BS1, BS2

Labcorp Genetics (formerly Invitae), Labcorp
Classification: Benign. Last evaluated: 2017-09-29. Review status: criteria provided, single submitter. Criteria: Invitae Variant Classification Sherloc (09022015). Collection method: clinical testing. Allele origin: germline.

Breakthrough Genomics
Classification: Benign. Review status: criteria provided, single submitter. Criteria: ACMG Guidelines, 2015. Collection method: not provided. Allele origin: germline. Inheritance: Autosomal recessive inheritance. Affected: yes.

NM_005061.3(RPL3L):c.599G>A (p.Arg200Gln)

Gene: RPL3L (ribosomal protein L3 like; minus strand). Cytogenetic location: 16p13.3.
Variant type: single nucleotide variant.
Coding change: c.599G>A on transcript NM_005061.3 (MANE Select); coding-DNA position 599, G replaced by A.
Protein change: p.Arg200Gln; replaces arginine 200 with glutamine.
Molecular consequence: missense variant.
Genome position (GRCh38, 1-based): chr16:1,947,283, C>T on the plus strand (G>A on the coding strand, the complement: RPL3L is on the minus strand). VCF-style: chr16-1947283-C-T. GRCh37 (hg19) VCF-style: chr16-1997284-C-T.
Other names: short protein forms R200Q.
Identifiers: ClinVar variation 715774 (VCV000715774.12), dbSNP rs141796888, ClinGen allele CA7822829.